The following is an entry in ClinVar:

NM_177438.3(DICER1):c.1696A>T (p.Thr566Ser)

Gene: DICER1 (dicer 1, ribonuclease III; minus strand). Cytogenetic location: 14q32.13.
Variant type: single nucleotide variant.
Coding change: c.1696A>T on transcript NM_177438.3 (MANE Select); coding-DNA position 1696, A replaced by T.
Protein change: p.Thr566Ser; replaces threonine 566 with serine.
Molecular consequence: missense variant. On other transcripts: non-coding transcript variant (6).
Genome position (GRCh38, 1-based): chr14:95,116,509, T>A on the plus strand (A>T on the coding strand, the complement: DICER1 is on the minus strand). VCF-style: chr14-95116509-T-A. GRCh37 (hg19) VCF-style: chr14-95582846-T-A.
Other names: c.1291A>T, p.Thr431Ser (NM_001395688.1, NM_001395689.1, NM_001395690.1 and 3 more transcripts); c.1129A>T, p.Thr377Ser (NM_001395691.1); c.1696A>T, p.Thr566Ser (NM_001395692.1, NM_001395693.1, NM_001395694.1 and 13 more transcripts); c.13A>T, p.Thr5Ser (NM_001395697.1); c.1414A>T, p.Thr472Ser (NM_001395686.1); short protein forms T472S, T566S, T5S, T377S, T431S.
Identifiers: ClinVar variation 2134974 (VCV002134974.4), dbSNP rs1595410806, ClinGen allele CA390884773.

ClinVar aggregate classification (germline): Uncertain significance (1 of 4 stars; one submission).

Conditions:
DICER1-related tumor predisposition. Also called: DICER1 syndrome; DICER1-related pleuropulmonary blastoma cancer predisposition syndrome. Identifiers: Orphanet 284343, MedGen C3839822, MONDO:0100216.

Submission:

Labcorp Genetics (formerly Invitae), Labcorp
Classification: Uncertain significance for DICER1-related tumor predisposition. Last evaluated: 2022-05-07. Review status: criteria provided, single submitter. Criteria: Invitae Variant Classification Sherloc (09022015). Collection method: clinical testing. Allele origin: germline.
Comment: In summary, the available evidence is currently insufficient to determine the role of this variant in disease. Therefore, it has been classified as a Variant of Uncertain Significance. Algorithms developed to predict the effect of missense changes on protein structure and function output the following: SIFT: "Tolerated"; PolyPhen-2: "Benign"; Align-GVGD: "Class C0". The serine amino acid residue is found in multiple mammalian species, which suggests that this missense change does not adversely affect protein function. This variant has not been reported in the literature in individuals affected with DICER1-related conditions. This variant is not present in population databases (gnomAD no frequency). This sequence change replaces threonine, which is neutral and polar, with serine, which is neutral and polar, at codon 566 of the DICER1 protein (p.Thr566Ser).